The following is an entry in ClinVar:

NM_007055.4(POLR3A):c.271C>T (p.Pro91Ser)

Genes: POLR3A (RNA polymerase III subunit A; minus strand), LOC126860971 (CDK7 strongly-dependent group 2 enhancer GRCh37_chr10:79784551-79785750; plus strand). Cytogenetic location: 10q22.3.
Variant type: single nucleotide variant.
Coding change: c.271C>T on transcript NM_007055.4 (MANE Select); coding-DNA position 271, C replaced by T.
Protein change: p.Pro91Ser; replaces proline 91 with serine.
Molecular consequence: missense variant.
Genome position (GRCh38, 1-based): chr10:78,025,669, G>A on the plus strand (C>T on the coding strand, the complement: POLR3A is on the minus strand). VCF-style: chr10-78025669-G-A. GRCh37 (hg19) VCF-style: chr10-79785427-G-A.
Other names: short protein forms P91S.
Identifiers: ClinVar variation 1467994 (VCV001467994.6), dbSNP rs2131961577, ClinGen allele CA377347225.

ClinVar aggregate classification (germline): Uncertain significance (1 of 4 stars; one submission).

Allele frequency attached by ClinVar (database versions not stated): gnomAD exomes below 0.00001.
gnomAD v4.1: 2 of 1,614,010 alleles (0.00012%); highest among the groups gnomAD compares: Non-Finnish European, 0.000085%; no homozygotes.

Submission:

Labcorp Genetics (formerly Invitae), Labcorp
Classification: Uncertain significance. Last evaluated: 2021-08-15. Review status: criteria provided, single submitter. Criteria: Invitae Variant Classification Sherloc (09022015). Collection method: clinical testing. Allele origin: germline.
Comment: This sequence change replaces proline with serine at codon 91 of the POLR3A protein (p.Pro91Ser). The proline residue is highly conserved and there is a moderate physicochemical difference between proline and serine. This variant is not present in population databases (ExAC no frequency). This variant has not been reported in the literature in individuals affected with POLR3A-related conditions. Algorithms developed to predict the effect of missense changes on protein structure and function are either unavailable or do not agree on the potential impact of this missense change (SIFT: "Deleterious"; PolyPhen-2: "Probably Damaging"; Align-GVGD: "Class C0"). In summary, the available evidence is currently insufficient to determine the role of this variant in disease. Therefore, it has been classified as a Variant of Uncertain Significance.